The following is an entry in ClinVar:

NM_024408.4(NOTCH2):c.6157C>G (p.Arg2053Gly)

Gene: NOTCH2 (notch receptor 2; minus strand). Cytogenetic location: 1p12.
Variant type: single nucleotide variant.
Coding change: c.6157C>G on transcript NM_024408.4 (MANE Select); coding-DNA position 6157, C replaced by G.
Protein change: p.Arg2053Gly; replaces arginine 2053 with glycine.
Molecular consequence: missense variant.
Genome position (GRCh38, 1-based): chr1:119,916,565, G>C on the plus strand (C>G on the coding strand, the complement: NOTCH2 is on the minus strand). VCF-style: chr1-119916565-G-C. GRCh37 (hg19) VCF-style: chr1-120459188-G-C.
Other names: short protein forms R2053G.
Identifiers: ClinVar variation 4766761 (VCV004766761.1).

ClinVar aggregate classification (germline): Uncertain significance (1 of 4 stars; one submission).

Conditions:
Hajdu-Cheney syndrome (HJCYS). Also called: Acroosteolysis dominant type; SERPENTINE FIBULA-POLYCYSTIC KIDNEY SYNDROME; ACROOSTEOLYSIS WITH OSTEOPOROSIS AND CHANGES IN SKULL AND MANDIBLE. Identifiers: Orphanet 955, MedGen C0917715, MONDO:0007057, OMIM 102500.

gnomAD v4.1: 12 of 1,614,066 alleles (0.00074%); highest among the groups gnomAD compares: Non-Finnish European, 0.00093%; no homozygotes.

Submission:

Labcorp Genetics (formerly Invitae), Labcorp
Classification: Uncertain significance for Hajdu-Cheney syndrome. Last evaluated: 2025-08-18. Review status: criteria provided, single submitter. Criteria: Invitae Variant Classification Sherloc (09022015). Collection method: clinical testing. Allele origin: germline.
Comment: This sequence change replaces arginine, which is basic and polar, with glycine, which is neutral and non-polar, at codon 2053 of the NOTCH2 protein (p.Arg2053Gly). This variant is not present in population databases (gnomAD no frequency). This variant has not been reported in the literature in individuals affected with NOTCH2-related conditions. Invitae Evidence Modeling of protein sequence and biophysical properties (such as structural, functional, and spatial information, amino acid conservation, physicochemical variation, residue mobility, and thermodynamic stability) has been performed for this missense variant. However, the output from this modeling did not meet the statistical confidence thresholds required to predict the impact of this variant on NOTCH2 protein function. In summary, the available evidence is currently insufficient to determine the role of this variant in disease. Therefore, it has been classified as a Variant of Uncertain Significance.